The following is an entry in ClinVar:

ClinVar aggregate classification (germline): Uncertain significance. Review status: criteria provided, multiple submitters, no conflicts (2 of 4 stars). 2 submissions from 2 submitters: Uncertain significance (2). Last evaluated 2026-01-25.

gnomAD v4.1: 5 of 1,613,544 alleles (0.00031%); highest among the groups gnomAD compares: Non-Finnish European, 0.00042%; no homozygotes.

Submissions (2):

Labcorp Genetics (formerly Invitae), Labcorp
Classification: Uncertain significance. Last evaluated: 2026-01-25. Review status: criteria provided, single submitter. Criteria: Invitae Variant Classification Sherloc (09022015). Collection method: clinical testing. Allele origin: germline.
Comment: This sequence change replaces serine, which is neutral and polar, with proline, which is neutral and non-polar, at codon 683 of the GEN1 protein (p.Ser683Pro). This variant is not present in population databases (gnomAD no frequency). This variant has not been reported in the literature in individuals affected with GEN1-related conditions. ClinVar contains an entry for this variant (Variation ID: 4263139). An algorithm developed to predict the effect of missense changes on protein structure and function (PolyPhen-2) suggests that this variant is likely to be tolerated. In summary, the available evidence is currently insufficient to determine the role of this variant in disease. Therefore, it has been classified as a Variant of Uncertain Significance.

Ambry Genetics
Classification: Uncertain significance. Last evaluated: 2025-10-14. Review status: criteria provided, single submitter. Criteria: Ambry Variant Classification Scheme 2023. Collection method: clinical testing. Allele origin: germline.
Comment: The p.S683P variant (also known as c.2047T>C), located in coding exon 13 of the GEN1 gene, results from a T to C substitution at nucleotide position 2047. The serine at codon 683 is replaced by proline, an amino acid with similar properties. This amino acid position is conserved. In addition, this alteration is predicted to be tolerated by in silico analysis. Based on the available evidence, the clinical significance of this variant remains unclear.

NM_001130009.3(GEN1):c.2047T>C (p.Ser683Pro)

Gene: GEN1 (GEN1 structure-specific endonuclease; plus strand). Cytogenetic location: 2p24.2.
Variant type: single nucleotide variant.
Coding change: c.2047T>C on transcript NM_001130009.3 (MANE Select); coding-DNA position 2047, T replaced by C.
Protein change: p.Ser683Pro; replaces serine 683 with proline.
Molecular consequence: missense variant.
Genome position (GRCh38, 1-based): chr2:17,781,259, T>C. VCF-style: chr2-17781259-T-C. GRCh37 (hg19) VCF-style: chr2-17962526-T-C.
Other names: c.2047T>C, p.Ser683Pro (NM_182625.5); short protein forms S683P.
Identifiers: ClinVar variation 4263139 (VCV004263139.3).